The following is an entry in ClinVar:

ClinVar aggregate classification (germline): Uncertain significance (1 of 4 stars; one submission).

Allele frequency attached by ClinVar (database versions not stated): gnomAD exomes below 0.00001; gnomAD 0.00001; TOPMed 0.00001.
gnomAD v4.1: 3 of 1,575,284 alleles (0.00019%); highest among the groups gnomAD compares: African/African-American, 0.0027%; no homozygotes.

Submission:

GeneDx
Classification: Uncertain significance. Last evaluated: 2022-11-03. Review status: criteria provided, single submitter. Criteria: GeneDx Variant Classification Process June 2021. Collection method: clinical testing. Allele origin: germline. Affected: yes.
Comment: In silico analysis supports that this missense variant has a deleterious effect on protein structure/function; Has not been previously published as pathogenic or benign to our knowledge

NM_016148.5(SHANK1):c.4627C>T (p.Pro1543Ser)

Gene: SHANK1 (SH3 and multiple ankyrin repeat domains 1; minus strand). Cytogenetic location: 19q13.33.
Variant type: single nucleotide variant.
Coding change: c.4627C>T on transcript NM_016148.5 (MANE Select); coding-DNA position 4627, C replaced by T.
Protein change: p.Pro1543Ser; replaces proline 1543 with serine.
Molecular consequence: missense variant.
Genome position (GRCh38, 1-based): chr19:50,667,333, G>A on the plus strand (C>T on the coding strand, the complement: SHANK1 is on the minus strand). VCF-style: chr19-50667333-G-A. GRCh37 (hg19) VCF-style: chr19-51170590-G-A.
Other names: short protein forms P1543S.
Identifiers: ClinVar variation 2501338 (VCV002501338.1), dbSNP rs1411668507, ClinGen allele CA407013588.